The following is an entry in ClinVar:

NM_007294.4(BRCA1):c.279T>C (p.Phe93=)

Gene: BRCA1 (BRCA1 DNA repair associated; minus strand). Cytogenetic location: 17q21.31.
Variant type: single nucleotide variant.
Coding change: c.279T>C on transcript NM_007294.4 (MANE Select); coding-DNA position 279, T replaced by C.
Protein change: p.Phe93=; no amino-acid change (phenylalanine 93 retained).
Molecular consequence: synonymous variant. On other transcripts: 5 prime UTR variant (7), intron variant (2).
Genome position (GRCh38, 1-based): chr17:43,104,890, A>G on the plus strand (T>C on the coding strand, the complement: BRCA1 is on the minus strand). VCF-style: chr17-43104890-A-G. GRCh37 (hg19) VCF-style: chr17-41256907-A-G.
Other names: c.69T>C, p.Phe23= (NM_001407955.1, NM_001407956.1, NM_001407957.1 and 58 more transcripts); c.-103T>C (NM_001407959.1, NM_001407960.1, NM_001407962.1 and 4 more transcripts); c.138T>C, p.Phe46= (NM_001407964.1, NM_001408410.1, NM_001408452.1 and 99 more transcripts); c.279T>C, p.Phe93= (NM_001407968.1, NM_001407969.1, NM_001407970.1 and 168 more transcripts); c.201T>C, p.Phe67= (NM_001408409.1, NM_001408411.1, NM_001408412.1 and 21 more transcripts); c.147T>C, p.Phe49= (NM_001408451.1); c.-218-10030T>C (NM_001407967.1, NM_001407966.1).
Identifiers: ClinVar variation 865363 (VCV000865363.3), dbSNP rs2054676882, ClinGen allele CA500127505.

Conditions:
Breast-ovarian cancer, familial, susceptibility to, 1 (BROVCA1). Also called: BRCA1 Hereditary Breast and Ovarian Cancer; OVARIAN CANCER, SUSCEPTIBILITY TO. Identifiers: Orphanet 145, MedGen C2676676, MONDO:0011450, OMIM 604370. Disease mechanism: loss of function.

Submission:

Brotman Baty Institute, University of Washington
No classification provided (evidence only). Condition: Breast-ovarian cancer, familial 1. Review status: no classification provided. Collection method: in vitro. Allele origin: not applicable. Functional consequence: functionally_normal.
ClinVar note: "not provided" was previously submitted as the classification for the variant. However, the classification appeared to be based only on an observation of functional data so it was converted to no classification on 2025-07-30.